The following is an entry in ClinVar:

NM_002335.4(LRP5):c.3484A>G (p.Ile1162Val)

Gene: LRP5 (LDL receptor related protein 5; plus strand). Cytogenetic location: 11q13.2.
Variant type: single nucleotide variant.
Coding change: c.3484A>G on transcript NM_002335.4 (MANE Select); coding-DNA position 3484, A replaced by G.
Protein change: p.Ile1162Val; replaces isoleucine 1162 with valine.
Molecular consequence: missense variant.
Genome position (GRCh38, 1-based): chr11:68,426,034, A>G. VCF-style: chr11-68426034-A-G. GRCh37 (hg19) VCF-style: chr11-68193502-A-G.
Other names: c.1741A>G, p.Ile581Val (NM_001291902.2); short protein forms I1162V, I581V.
Identifiers: ClinVar variation 1364921 (VCV001364921.6), dbSNP rs750114132, ClinGen allele CA6150010.
Genomic context (GRCh38, chr11:68,426,034, plus strand): 5'-GCAGGGGCCAACCGCCTGACCCTGGAGGACGCCAACATCGTGCAGCCTCTGGGCCTGACC[A>G]TCCTTGGCAAGCATCTCTACTGGATCGACCGCCAGCAGCAGATGATCGAGCGTGTGGAGA-3'
Protein context (NP_002326.2, residues 1152-1172): ANIVQPLGLT[Ile1162Val]LGKHLYWIDR

ClinVar aggregate classification (germline): Uncertain significance (1 of 4 stars; one submission).

Allele frequency attached by ClinVar (database versions not stated): TOPMed below 0.00001; gnomAD exomes 0.00001; ExAC 0.00002.
gnomAD v4.1: 13 of 1,613,510 alleles (0.00081%); highest among the groups gnomAD compares: South Asian, 0.0011%; no homozygotes.

Submission:

Labcorp Genetics (formerly Invitae), Labcorp
Classification: Uncertain significance. Last evaluated: 2023-03-22. Review status: criteria provided, single submitter. Criteria: Invitae Variant Classification Sherloc (09022015). Collection method: clinical testing. Allele origin: germline.
Comment: This variant is present in population databases (rs750114132, gnomAD 0.003%). In summary, the available evidence is currently insufficient to determine the role of this variant in disease. Therefore, it has been classified as a Variant of Uncertain Significance. Advanced modeling of protein sequence and biophysical properties (such as structural, functional, and spatial information, amino acid conservation, physicochemical variation, residue mobility, and thermodynamic stability) performed at Invitae indicates that this missense variant is not expected to disrupt LRP5 protein function. ClinVar contains an entry for this variant (Variation ID: 1364921). This variant has not been reported in the literature in individuals affected with LRP5-related conditions. This sequence change replaces isoleucine, which is neutral and non-polar, with valine, which is neutral and non-polar, at codon 1162 of the LRP5 protein (p.Ile1162Val).